The following is an entry in ClinVar:

NM_003221.4(TFAP2B):c.1038C>A (p.Asp346Glu)

Gene: TFAP2B (transcription factor AP-2 beta; plus strand). Cytogenetic location: 6p12.3.
Variant type: single nucleotide variant.
Coding change: c.1038C>A on transcript NM_003221.4 (MANE Select); coding-DNA position 1038, C replaced by A.
Protein change: p.Asp346Glu; replaces aspartic acid 346 with glutamic acid.
Molecular consequence: missense variant.
Genome position (GRCh38, 1-based): chr6:50,840,253, C>A. VCF-style: chr6-50840253-C-A. GRCh37 (hg19) VCF-style: chr6-50807966-C-A.
Other names: c.1038C>A (NM_003221.3); short protein forms D346E.
Identifiers: ClinVar variation 1905347 (VCV001905347.6), dbSNP rs372070042, ClinGen allele CA3850500.

ClinVar aggregate classification (germline): Uncertain significance. Review status: criteria provided, multiple submitters, no conflicts (2 of 4 stars). 2 submissions from 2 submitters: Uncertain significance (2). Last evaluated 2025-12-20.

Conditions:
Inborn genetic diseases. Identifiers: MedGen C0950123, MeSH D030342.

Allele frequency attached by ClinVar (database versions not stated): gnomAD 0.00001; gnomAD exomes 0.00001; TOPMed 0.00001; ExAC 0.00002.
gnomAD v4.1: 17 of 1,613,972 alleles (0.0011%); highest among the groups gnomAD compares: Non-Finnish European, 0.0014%; no homozygotes.

Submissions (2):

Labcorp Genetics (formerly Invitae), Labcorp
Classification: Uncertain significance. Last evaluated: 2025-12-20. Review status: criteria provided, single submitter. Criteria: Invitae Variant Classification Sherloc (09022015). Collection method: clinical testing. Allele origin: germline.
Comment: This sequence change replaces aspartic acid, which is acidic and polar, with glutamic acid, which is acidic and polar, at codon 346 of the TFAP2B protein (p.Asp346Glu). This variant is present in population databases (rs372070042, gnomAD 0.004%). This variant has not been reported in the literature in individuals affected with TFAP2B-related conditions. ClinVar contains an entry for this variant (Variation ID: 1905347). Invitae Evidence Modeling of protein sequence and biophysical properties (such as structural, functional, and spatial information, amino acid conservation, physicochemical variation, residue mobility, and thermodynamic stability) indicates that this missense variant is not expected to disrupt TFAP2B protein function with a negative predictive value of 80%. In summary, the available evidence is currently insufficient to determine the role of this variant in disease. Therefore, it has been classified as a Variant of Uncertain Significance.

Ambry Genetics
Classification: Uncertain significance for Inborn genetic diseases. Last evaluated: 2025-12-04. Review status: criteria provided, single submitter. Criteria: Ambry Variant Classification Scheme 2023. Collection method: clinical testing. Allele origin: germline.